The following is an entry in ClinVar:

ClinVar aggregate classification (germline): Uncertain significance (1 of 4 stars; one submission).

Submission:

Labcorp Genetics (formerly Invitae), Labcorp
Classification: Uncertain significance. Last evaluated: 2025-03-18. Review status: criteria provided, single submitter. Criteria: Invitae Variant Classification Sherloc (09022015). Collection method: clinical testing. Allele origin: germline.
Comment: This sequence change affects a splice site in intron 28 of the COL9A3 gene. Variants that disrupt the donor or acceptor splice site typically lead to a loss of protein function (PMID:16199547), however it is unknown whether splice variants in this region will result in a loss of function. This variant is not present in population databases (gnomAD no frequency). This variant has not been reported in the literature in individuals affected with COL9A3-related conditions. In summary, the available evidence is currently insufficient to determine the role of this variant in disease. Therefore, it has been classified as a Variant of Uncertain Significance.

Literature cited by the submitters: PubMed 16199547.

NM_001853.4(COL9A3):c.1548+2_1548+17del

Genes: COL9A3 (collagen type IX alpha 3 chain; plus strand), LOC126863084 (MED14-independent group 3 enhancer GRCh37_chr20:61467141-61468340; plus strand). Cytogenetic location: 20q13.33.
Variant type: Deletion.
Coding change: c.1548+2_1548+17del on transcript NM_001853.4 (MANE Select); the canonical splice donor site of the intron after coding-DNA position 1548 through 17 bases into the intron after coding-DNA position 1548, 16 bases deleted (TACGTCGCTTTTCCGG).
Molecular consequence: splice donor variant.
Genome position (GRCh38, 1-based): chr20:62,836,335-62,836,350, TACGTCGCTTTTCCGG deleted; deleting any 16 consecutive bases within chr20:62,836,329-62,836,350 gives the same sequence; the c. name uses the placement nearest the transcript's 3' end. VCF-style (leftmost placement, unchanged base first): chr20-62836328-GTTCCGGTACGTCGCTT-G. GRCh37 (hg19) VCF-style: chr20-61467680-GTTCCGGTACGTCGCTT-G.
Identifiers: ClinVar variation 4715416 (VCV004715416.1).